The following is an entry in ClinVar:

NM_001277115.2(DNAH11):c.11177A>T (p.Asn3726Ile)

Gene: DNAH11 (dynein axonemal heavy chain 11; plus strand). Cytogenetic location: 7p15.3.
Variant type: single nucleotide variant.
Coding change: c.11177A>T on transcript NM_001277115.2 (MANE Select); coding-DNA position 11177, A replaced by T.
Protein change: p.Asn3726Ile; replaces asparagine 3726 with isoleucine.
Molecular consequence: missense variant.
Genome position (GRCh38, 1-based): chr7:21,854,430, A>T. VCF-style: chr7-21854430-A-T. GRCh37 (hg19) VCF-style: chr7-21894048-A-T.
Other names: c.11177A>T (NM_001277115.1); short protein forms N3726I.
Identifiers: ClinVar variation 1430045 (VCV001430045.9), dbSNP rs1373207381, ClinGen allele CA366960194.

ClinVar aggregate classification (germline): Uncertain significance. Review status: criteria provided, multiple submitters, no conflicts (2 of 4 stars). 2 submissions from 2 submitters: Uncertain significance (2). Last evaluated 2024-01-24.

Conditions:
Primary ciliary dyskinesia. Also called: Ciliary dyskinesia. Identifiers: Orphanet 244, MedGen C0008780, MONDO:0016575, HP:0012265.

Allele frequency attached by ClinVar (database versions not stated): TOPMed below 0.00001; gnomAD 0.00001.
gnomAD v4.1: 5 of 1,613,662 alleles (0.00031%); highest among the groups gnomAD compares: Non-Finnish European, 0.00042%; no homozygotes.

Submissions (2):

Labcorp Genetics (formerly Invitae), Labcorp
Classification: Uncertain significance for Primary ciliary dyskinesia. Last evaluated: 2024-01-24. Review status: criteria provided, single submitter. Criteria: Invitae Variant Classification Sherloc (09022015). Collection method: clinical testing. Allele origin: germline.
Comment: This sequence change replaces asparagine, which is neutral and polar, with isoleucine, which is neutral and non-polar, at codon 3726 of the DNAH11 protein (p.Asn3726Ile). This variant is not present in population databases (gnomAD no frequency). This variant has not been reported in the literature in individuals affected with DNAH11-related conditions. ClinVar contains an entry for this variant (Variation ID: 1430045). Advanced modeling of protein sequence and biophysical properties (such as structural, functional, and spatial information, amino acid conservation, physicochemical variation, residue mobility, and thermodynamic stability) has been performed at Invitae for this missense variant, however the output from this modeling did not meet the statistical confidence thresholds required to predict the impact of this variant on DNAH11 protein function. In summary, the available evidence is currently insufficient to determine the role of this variant in disease. Therefore, it has been classified as a Variant of Uncertain Significance.

Ambry Genetics
Classification: Uncertain significance for Primary ciliary dyskinesia. Last evaluated: 2021-11-22. Review status: criteria provided, single submitter. Criteria: Ambry Variant Classification Scheme 2023. Collection method: clinical testing. Allele origin: germline.